The following is an entry in ClinVar:

NM_005732.4(RAD50):c.2378C>A (p.Thr793Lys)

Gene: RAD50 (RAD50 double strand break repair protein; plus strand). Cytogenetic location: 5q31.1.
Variant type: single nucleotide variant.
Coding change: c.2378C>A on transcript NM_005732.4 (MANE Select); coding-DNA position 2378, C replaced by A.
Protein change: p.Thr793Lys; replaces threonine 793 with lysine.
Molecular consequence: missense variant.
Genome position (GRCh38, 1-based): chr5:132,603,470, C>A. VCF-style: chr5-132603470-C-A. GRCh37 (hg19) VCF-style: chr5-131939162-C-A.
Other names: short protein forms T793K.
Identifiers: ClinVar variation 4842944 (VCV004842944.1).

ClinVar aggregate classification (germline): Uncertain significance (1 of 4 stars; one submission).

Conditions:
Hereditary cancer-predisposing syndrome. Also called: Neoplastic Syndromes, Hereditary; Tumor predisposition; Hereditary Cancer Syndrome; Hereditary neoplastic syndrome. Identifiers: Orphanet 140162, MedGen C0027672, MeSH D009386, MONDO:0015356.

gnomAD v4.1: 1 of 1,613,786 alleles (0.000062%); highest among the groups gnomAD compares: East Asian, 0.0022%; no homozygotes.

Submission:

Ambry Genetics
Classification: Uncertain significance for Hereditary cancer-predisposing syndrome. Last evaluated: 2025-12-29. Review status: criteria provided, single submitter. Criteria: Ambry Variant Classification Scheme 2023. Collection method: clinical testing. Allele origin: germline.
Comment: The p.T793K variant (also known as c.2378C>A), located in coding exon 14 of the RAD50 gene, results from a C to A substitution at nucleotide position 2378. The threonine at codon 793 is replaced by lysine, an amino acid with similar properties. This amino acid position is conserved. In addition, the in silico prediction for this alteration is inconclusive. Based on the available evidence, the clinical significance of this variant remains unclear.